The following is an entry in ClinVar:

ClinVar aggregate classification (germline): Conflicting classifications of pathogenicity. Review status: criteria provided, conflicting classifications (1 of 4 stars). 3 submissions from 3 submitters: Uncertain significance (2); Likely benign (1). Last evaluated 2025-05-12.

Conditions:
Bardet-Biedl syndrome (BBS). Identifiers: Orphanet 110, MedGen C0752166, MONDO:0015229.
WDPCP-related disorder. Also called: WDPCP-related condition.
Inborn genetic diseases. Identifiers: MedGen C0950123, MeSH D030342.

Allele frequency attached by ClinVar (database versions not stated): gnomAD exomes below 0.00001; ExAC 0.00001; TOPMed 0.00002.

Submissions (3):

PreventionGenetics, part of Exact Sciences
Classification: Uncertain significance for WDPCP-related condition. Last evaluated: 2025-05-12. Review status: criteria provided, single submitter. Criteria: ACMG Guidelines, 2015. Collection method: clinical testing. Allele origin: germline.
Comment: The WDPCP c.869G>A variant is predicted to result in the amino acid substitution p.Arg290His. To our knowledge, this variant has not been reported in the literature. This variant is reported in 0.00089% of alleles in individuals of European (Non-Finnish) descent in gnomAD. At this time, the clinical significance of this variant is uncertain due to the absence of conclusive functional and genetic evidence.

Ambry Genetics
Classification: Likely benign for Inborn genetic diseases. Last evaluated: 2024-08-21. Review status: criteria provided, single submitter. Criteria: Ambry Variant Classification Scheme 2023. Collection method: clinical testing. Allele origin: germline.

Labcorp Genetics (formerly Invitae), Labcorp
Classification: Uncertain significance for Bardet-Biedl syndrome. Last evaluated: 2022-10-05. Review status: criteria provided, single submitter. Criteria: Invitae Variant Classification Sherloc (09022015). Collection method: clinical testing. Allele origin: germline.
Comment: In summary, the available evidence is currently insufficient to determine the role of this variant in disease. Therefore, it has been classified as a Variant of Uncertain Significance. Advanced modeling of protein sequence and biophysical properties (such as structural, functional, and spatial information, amino acid conservation, physicochemical variation, residue mobility, and thermodynamic stability) performed at Invitae indicates that this missense variant is not expected to disrupt WDPCP protein function. ClinVar contains an entry for this variant (Variation ID: 1390972). This variant has not been reported in the literature in individuals affected with WDPCP-related conditions. This variant is present in population databases (rs753480088, gnomAD 0.0009%). This sequence change replaces arginine, which is basic and polar, with histidine, which is basic and polar, at codon 290 of the WDPCP protein (p.Arg290His).

NM_015910.7(WDPCP):c.869G>A (p.Arg290His)

Gene: WDPCP (WD repeat containing planar cell polarity effector; minus strand). Cytogenetic location: 2p15.
Variant type: single nucleotide variant.
Coding change: c.869G>A on transcript NM_015910.7 (MANE Select); coding-DNA position 869, G replaced by A.
Protein change: p.Arg290His; replaces arginine 290 with histidine.
Molecular consequence: missense variant. On other transcripts: non-coding transcript variant (3).
Genome position (GRCh38, 1-based): chr2:63,404,614, C>T on the plus strand (G>A on the coding strand, the complement: WDPCP is on the minus strand). VCF-style: chr2-63404614-C-T. GRCh37 (hg19) VCF-style: chr2-63631749-C-T.
Other names: c.869G>A (NM_015910.5); c.392G>A, p.Arg131His (NM_001042692.3); c.797G>A, p.Arg266His (NM_001354044.2); c.869G>A, p.Arg290His (NM_001354045.2); short protein forms R131H, R290H, R266H.
Identifiers: ClinVar variation 1390972 (VCV001390972.8), dbSNP rs753480088, ClinGen allele CA1682317.